The following is an entry in ClinVar:

ClinVar aggregate classification (germline): Uncertain significance. Review status: criteria provided, multiple submitters, no conflicts (2 of 4 stars). 2 submissions from 2 submitters: Uncertain significance (2). Last evaluated 2025-10-22.

Conditions:
Inborn genetic diseases. Identifiers: MedGen C0950123, MeSH D030342.

Allele frequency attached by ClinVar (database versions not stated): gnomAD exomes 0.00001; TOPMed 0.00004; ExAC 0.00001; gnomAD 0.00007.

Submissions (2):

Ambry Genetics
Classification: Uncertain significance for Inborn genetic diseases. Last evaluated: 2025-10-22. Review status: criteria provided, single submitter. Criteria: Ambry Variant Classification Scheme 2023. Collection method: clinical testing. Allele origin: germline.

Labcorp Genetics (formerly Invitae), Labcorp
Classification: Uncertain significance. Last evaluated: 2022-06-20. Review status: criteria provided, single submitter. Criteria: Invitae Variant Classification Sherloc (09022015). Collection method: clinical testing. Allele origin: germline.
Comment: This sequence change replaces glutamic acid, which is acidic and polar, with glutamine, which is neutral and polar, at codon 402 of the CNNM4 protein (p.Glu402Gln). This variant is present in population databases (rs373387856, gnomAD 0.02%). This variant has not been reported in the literature in individuals affected with CNNM4-related conditions. ClinVar contains an entry for this variant (Variation ID: 1037731). Algorithms developed to predict the effect of missense changes on protein structure and function (SIFT, PolyPhen-2, Align-GVGD) all suggest that this variant is likely to be tolerated. In summary, the available evidence is currently insufficient to determine the role of this variant in disease. Therefore, it has been classified as a Variant of Uncertain Significance.

NM_020184.4(CNNM4):c.1204G>C (p.Glu402Gln)

Gene: CNNM4 (cyclin and CBS domain divalent metal cation transport mediator 4; plus strand). Cytogenetic location: 2q11.2.
Variant type: single nucleotide variant.
Coding change: c.1204G>C on transcript NM_020184.4 (MANE Select); coding-DNA position 1204, G replaced by C.
Protein change: p.Glu402Gln; replaces glutamic acid 402 with glutamine.
Molecular consequence: missense variant.
Genome position (GRCh38, 1-based): chr2:96,762,203, G>C. VCF-style: chr2-96762203-G-C. GRCh37 (hg19) VCF-style: chr2-97427940-G-C.
Other names: c.1204G>C (NM_020184.3); short protein forms E402Q.
Identifiers: ClinVar variation 1037731 (VCV001037731.7), dbSNP rs373387856, ClinGen allele CA1783304.